The following is an entry in ClinVar:

ClinVar aggregate classification (germline): Likely pathogenic (1 of 4 stars; one submission).

Conditions:
Cystic fibrosis (CF). Also called: MUCOVISCIDOSIS. Identifiers: Orphanet 586, MedGen C0010674, MONDO:0009061, OMIM 219700. Disease mechanism: loss of function.

Submission:

Women's Health and Genetics/Laboratory Corporation of America, LabCorp
Classification: Likely pathogenic for Cystic fibrosis. Last evaluated: 2024-05-16. Review status: criteria provided, single submitter. Criteria: LabCorp Variant Classification Summary - May 2015. Collection method: clinical testing. Allele origin: germline.
Comment: Variant summary: CFTR c.2547_2555delCCTTCGATA (p.Leu850_Tyr852del) results in an in-frame deletion that is predicted to remove three amino acids from the encoded protein. The variant was absent in 251326 control chromosomes. The available data on variant occurrences in the general population are insufficient to allow any conclusion about variant significance. To our knowledge, no occurrence of c.2547_2555delCCTTCGATA in individuals affected with Cystic Fibrosis and no experimental evidence demonstrating its impact on protein function have been reported. However, a missense variant affecting one of the deleted amino acids of this in-frame deletion has been classified as likely pathogenic by our lab (p.Arg851Leu). No submitters have cited clinical-significance assessments for this variant to ClinVar. Based on the evidence outlined above, the variant was classified as likely pathogenic.

NM_000492.4(CFTR):c.2547_2555del (p.Leu850_Tyr852del)

Gene: CFTR (CF transmembrane conductance regulator; plus strand). Cytogenetic location: 7q31.2.
Variant type: Deletion.
Coding change: c.2547_2555del on transcript NM_000492.4 (MANE Select); coding-DNA positions 2547 to 2555, 9 bases deleted (CCTTCGATA; older notation c.2547_2555delCCTTCGATA).
Protein change: p.Leu850_Tyr852del.
Molecular consequence: inframe deletion.
Genome position (GRCh38, 1-based): chr7:117,594,986-117,594,994, CCTTCGATA deleted; deleting any 9 consecutive bases within chr7:117,594,983-117,594,994 gives the same sequence; the c. name uses the placement nearest the transcript's 3' end. VCF-style (leftmost placement, unchanged base first): chr7-117594982-CATACCTTCG-C. GRCh37 (hg19) VCF-style: chr7-117235036-CATACCTTCG-C.
Other names: c.2547_2555delCCTTCGATA (NM_000492.4).
Identifiers: ClinVar variation 3336547 (VCV003336547.1).